The following is an entry in ClinVar:

ClinVar aggregate classification (germline): Uncertain significance (0 of 4 stars; one submission).

Submission:

Martin Pollak Laboratory,  Beth Israel Deaconess Medical Center
Classification: Uncertain significance. Review status: no assertion criteria provided. Collection method: not provided. Allele origin: unknown.
Comment: Lower UCa2+ group
ClinVar note: Converted during submission from unknown to Uncertain significance.

NM_005070.4(SLC4A3):c.664C>A (p.Pro222Thr)

Gene: SLC4A3 (solute carrier family 4 member 3; plus strand). Cytogenetic location: 2q35.
Variant type: single nucleotide variant.
Coding change: c.664C>A on transcript NM_005070.4 (MANE Select); coding-DNA position 664, C replaced by A.
Protein change: p.Pro222Thr; replaces proline 222 with threonine.
Molecular consequence: missense variant. On other transcripts: non-coding transcript variant (1).
Genome position (GRCh38, 1-based): chr2:219,630,205, C>A. VCF-style: chr2-219630205-C-A. GRCh37 (hg19) VCF-style: chr2-220494927-C-A.
Other names: c.745C>A, p.Pro249Thr (NM_001326559.2, NM_201574.3); short protein forms P222T, P249T.
Identifiers: ClinVar variation 64558 (VCV000064558.2), dbSNP rs387907530, ClinGen allele CA216401.
Genomic context (GRCh38, chr2:219,630,205, plus strand): 5'-CTCCCCAGCTCCCCCAGCCCCCGGGCCCGGGCCTCCCGACTCGCTGGGGAGAAAAGCCGG[C>A]CCTGGAGCCCATCGGCCAGTTATGACCTGCGGGAGCGACTGTGCCCAGGCAGTGCCCTGG-3'
Protein context (NP_005061.3, residues 212-232): ASRLAGEKSR[Pro222Thr]WSPSASYDLR